The following is an entry in ClinVar:

ClinVar aggregate classification (germline): Uncertain significance (1 of 4 stars; one submission).

Conditions:
Marshall-Smith syndrome (MRSHSS). Identifiers: Orphanet 561, MedGen C0265211, MONDO:0011244, OMIM 602535.

Submission:

MVZ Medizinische Genetik Mainz
Classification: Uncertain significance for Marshall-Smith syndrome. Last evaluated: 2022-08-30. Review status: criteria provided, single submitter. Criteria: UK Practice Guidelines For Variant Classification V4 01 2020. Collection method: clinical testing. Allele origin: germline. Inheritance: Autosomal dominant inheritance. Affected: yes. Observed: 1 variant allele.
Comment: ACMG Criteria: PM1, PM2_SUP, PP2, PP3

NM_001365902.3(NFIX):c.484T>G (p.Cys162Gly)

Gene: NFIX (nuclear factor I X; plus strand). Cytogenetic location: 19p13.13.
Variant type: single nucleotide variant.
Coding change: c.484T>G on transcript NM_001365902.3 (MANE Select); coding-DNA position 484, T replaced by G.
Protein change: p.Cys162Gly; replaces cysteine 162 with glycine.
Molecular consequence: missense variant.
Genome position (GRCh38, 1-based): chr19:13,025,477, T>G. VCF-style: chr19-13025477-T-G. GRCh37 (hg19) VCF-style: chr19-13136291-T-G.
Other names: c.508T>G, p.Cys170Gly (NM_001271043.2); c.460T>G, p.Cys154Gly (NM_001271044.3, NM_001378404.1); c.484T>G, p.Cys162Gly (NM_001365982.2, NM_002501.4); c.343T>G, p.Cys115Gly (NM_001365983.2); c.481T>G, p.Cys161Gly (NM_001365984.2, NM_001365985.2); c.532T>G, p.Cys178Gly (NM_001378405.1); short protein forms C115G, C154G, C161G, C162G, C170G, C178G.
Identifiers: ClinVar variation 3235217 (VCV003235217.1), dbSNP rs2512747192.